The following is an entry in ClinVar:

NM_014974.3(DIP2C):c.559G>A (p.Gly187Arg)

Gene: DIP2C (DIP2 acetate--CoA ligase C (putative); minus strand). Cytogenetic location: 10p15.3.
Variant type: single nucleotide variant.
Coding change: c.559G>A on transcript NM_014974.3 (MANE Select); coding-DNA position 559, G replaced by A.
Protein change: p.Gly187Arg; replaces glycine 187 with arginine.
Molecular consequence: missense variant.
Genome position (GRCh38, 1-based): chr10:422,869, C>T on the plus strand (G>A on the coding strand, the complement: DIP2C is on the minus strand). VCF-style: chr10-422869-C-T. GRCh37 (hg19) VCF-style: chr10-468809-C-T.
Other names: short protein forms G187R.
Identifiers: ClinVar variation 2974692 (VCV002974692.3), dbSNP rs1263660136, ClinGen allele CA375834422.

ClinVar aggregate classification (germline): Uncertain significance (1 of 4 stars; one submission).

Allele frequency attached by ClinVar (database versions not stated): gnomAD exomes below 0.00001.
gnomAD v4.1: 2 of 1,613,146 alleles (0.00012%); highest among the groups gnomAD compares: Middle Eastern, 0.019%; no homozygotes.

Submission:

Labcorp Genetics (formerly Invitae), Labcorp
Classification: Uncertain significance. Last evaluated: 2023-09-18. Review status: criteria provided, single submitter. Criteria: Invitae Variant Classification Sherloc (09022015). Collection method: clinical testing. Allele origin: germline.
Comment: This variant has not been reported in the literature in individuals affected with DIP2C-related conditions. In summary, the available evidence is currently insufficient to determine the role of this variant in disease. Therefore, it has been classified as a Variant of Uncertain Significance. An algorithm developed to predict the effect of missense changes on protein structure and function (PolyPhen-2) suggests that this variant is likely to be tolerated. This variant is not present in population databases (gnomAD no frequency). This sequence change replaces glycine, which is neutral and non-polar, with arginine, which is basic and polar, at codon 187 of the DIP2C protein (p.Gly187Arg).